The following is an entry in ClinVar:

ClinVar aggregate classification (germline): Uncertain significance (1 of 4 stars; one submission).

Conditions:
Aminoacylase 1 deficiency. Also called: Neurological conditions associated with aminoacylase 1 deficiency. Identifiers: Orphanet 137754, MedGen C1835922, MONDO:0012368, OMIM 609924.

Submission:

Baylor Genetics
Classification: Uncertain significance for Aminoacylase 1 deficiency. Last evaluated: 2020-10-14. Review status: criteria provided, single submitter. Criteria: ACMG Guidelines, 2015. Collection method: clinical testing. Allele origin: unknown. Affected: yes.
Comment: This variant was determined to be of uncertain significance according to ACMG Guidelines, 2015 [PMID:25741868].

NM_000666.3(ACY1):c.1201G>T (p.Val401Leu)

Genes: ABHD14A-ACY1 (ABHD14A-ACY1 readthrough; plus strand), ACY1 (aminoacylase 1; plus strand). Cytogenetic location: 3p21.2.
Variant type: single nucleotide variant.
Coding change: c.1201G>T on transcript NM_000666.3 (MANE Select); coding-DNA position 1201, G replaced by T.
Protein change: p.Val401Leu; replaces valine 401 with leucine.
Molecular consequence: missense variant.
Genome position (GRCh38, 1-based): chr3:51,989,049, G>T. VCF-style: chr3-51989049-G-T. GRCh37 (hg19) VCF-style: chr3-52023065-G-T.
Other names: c.1471G>T, p.Val491Leu (NM_001316331.2); c.1201G>T, p.Val401Leu (NM_001198895.2); c.985G>T, p.Val329Leu (NM_001198896.2); c.1006G>T, p.Val336Leu (NM_001198897.2); c.1096G>T, p.Val366Leu (NM_001198898.2); short protein forms V336L, V329L, V366L, V401L, V491L.
Identifiers: ClinVar variation 1029929 (VCV001029929.1), dbSNP rs1701179354, ClinGen allele CA353095422.